The following is an entry in ClinVar:

NM_001111125.3(IQSEC2):c.4434_4438dup (p.Lys1480fs)

Gene: IQSEC2 (IQ motif and Sec7 domain ArfGEF 2; minus strand). Cytogenetic location: Xp11.22.
Variant type: Duplication.
Coding change: c.4434_4438dup on transcript NM_001111125.3 (MANE Select); coding-DNA positions 4434 to 4438, 5 bases duplicated (GGCCA; older notation c.4434_4438dupGGCCA).
Protein change: p.Lys1480fs; shifts the reading frame from lysine 1480.
Molecular consequence: frameshift variant. On other transcripts: 3 prime UTR variant (1).
Genome position (GRCh38, 1-based): chrX:53,234,248-53,234,252, TGGCC duplicated on the plus strand (GGCCA on the coding strand, the reverse complement: IQSEC2 is on the minus strand); duplicating any 5 consecutive bases within chrX:53,234,248-53,234,253 gives the same sequence; the c. name uses the placement nearest the transcript's 3' end. VCF-style (leftmost placement, unchanged base first): chrX-53234247-T-TTGGCC. GRCh37 (hg19) VCF-style: chrX-53263429-T-TTGGCC.
Other names: c.*919_*923dup (NM_015075.2); c.4434_4438dupGGCCA (NM_001111125.2); short protein forms K1480fs.
Identifiers: ClinVar variation 471275 (VCV000471275.10), dbSNP rs1556858912, ClinGen allele CA658658987.

ClinVar aggregate classification (germline): Pathogenic/Likely pathogenic. Review status: criteria provided, multiple submitters, no conflicts (2 of 4 stars). 2 submissions from 2 submitters: Pathogenic (1); Likely pathogenic (1). Last evaluated 2019-06-28.

Conditions:
IQSEC2-related disorder. Also called: IQSEC2-related condition.
Intellectual developmental disorder, X-linked 1. Also called: MENTAL RETARDATION, X-LINKED 18; MENTAL RETARDATION, X-LINKED 78; Intellectual disability, X-linked 1; Atkin Flaitz Patil Smith syndrome. Identifiers: Orphanet 777, MedGen C2931498, MONDO:0010656, OMIM 309530.

Submissions (2):

Blueprint Genetics
Classification: Likely pathogenic for IQSEC2-related disorders. Last evaluated: 2019-06-28. Review status: criteria provided, single submitter. Criteria: ACMG Guidelines, 2015. Collection method: clinical testing. Allele origin: germline. Affected: yes. Observed: 1 variant allele.

Labcorp Genetics (formerly Invitae), Labcorp
Classification: Pathogenic for Intellectual developmental disorder, X-linked 1. Last evaluated: 2017-07-31. Review status: criteria provided, single submitter. Criteria: Invitae Variant Classification Sherloc (09022015). Collection method: clinical testing. Allele origin: germline.
Comment: For these reasons, this variant has been classified as Pathogenic. This variant has not been reported in the literature in individuals with IQSEC2-related disease. While this variant is not present in population databases, the frequency information is unreliable, as metrics indicate poor data quality at this position in the ExAC database. This sequence change inserts 5 nucleotides in exon 15 of the IQSEC2 mRNA (c.4434_4438dupGGCCA), causing a frameshift at codon 1480 (p.Lys1480Argfs*17). While this is not anticipated to result in nonsense mediated decay, it is expected to disrupt the last 9 amino acids and extend the length of the IQSEC2 protein by 7 additional amino acids.